The following is an entry in ClinVar:

NM_000719.7(CACNA1C):c.5995A>G (p.Thr1999Ala)

Genes: CACNA1C (calcium voltage-gated channel subunit alpha1 C; plus strand), CACNA1C-AS1 (CACNA1C antisense RNA 1; minus strand). Cytogenetic location: 12p13.33.
Variant type: single nucleotide variant.
Coding change: c.5995A>G on transcript NM_000719.7 (MANE Select); coding-DNA position 5995, A replaced by G.
Protein change: p.Thr1999Ala; replaces threonine 1999 with alanine.
Molecular consequence: missense variant.
Genome position (GRCh38, 1-based): chr12:2,688,657, A>G. VCF-style: chr12-2688657-A-G. GRCh37 (hg19) VCF-style: chr12-2797823-A-G.
Other names: c.6139A>G, p.Thr2047Ala (NM_001129827.2); c.6118A>G, p.Thr2040Ala (NM_001129829.2); c.6100A>G, p.Thr2034Ala (NM_001129830.3, NM_001167624.3); c.6079A>G, p.Thr2027Ala (NM_001129831.2); c.6055A>G, p.Thr2019Ala (NM_001129832.2); c.6052A>G, p.Thr2018Ala (NM_001129833.2, NM_001129834.2, NM_001129835.2); c.5995A>G, p.Thr1999Ala (NM_001167623.2, NM_001129840.2, NM_001129841.2 and 2 more transcripts); c.6175A>G, p.Thr2059Ala (NM_001167625.2); and 7 more; short protein forms T2027A, T2034A, T2047A, T1999A, T2059A, T2082A, T1996A, T2005A.
Identifiers: ClinVar variation 1430717 (VCV001430717.7), dbSNP rs1309581039, ClinGen allele CA383385044.

ClinVar aggregate classification (germline): Conflicting classifications of pathogenicity. Review status: criteria provided, conflicting classifications (1 of 4 stars). 2 submissions from 2 submitters: Uncertain significance (1); Likely benign (1). Last evaluated 2025-02-25.

Conditions:
Long QT syndrome (LQTS). Identifiers: MedGen C0023976, MeSH D008133, MONDO:0002442. Disease mechanism: loss of function. Inheritance: Various modes of inheritance.
CACNA1C-related disorder. Also called: CACNA1C-related disorders; CACNA1C-related condition. Identifiers: MedGen CN381092, MONDO:0700321.

Allele frequency attached by ClinVar (database versions not stated): gnomAD exomes 0.00001.
gnomAD v4.1: 5 of 1,613,418 alleles (0.00031%); highest among the groups gnomAD compares: Admixed American, 0.0083%; no homozygotes.

Submissions (2):

PreventionGenetics, part of Exact Sciences
Classification: Uncertain significance for CACNA1C-related condition. Last evaluated: 2025-02-25. Review status: criteria provided, single submitter. Criteria: ACMG Guidelines, 2015. Collection method: clinical testing. Allele origin: germline.
Comment: The CACNA1C c.5995A>G variant is predicted to result in the amino acid substitution p.Thr1999Ala. To our knowledge, this variant has not been reported in the literature. This variant is reported in 0.0058% of alleles in individuals of Latino descent in gnomAD. At this time, the clinical significance of this variant is uncertain due to the absence of conclusive functional and genetic evidence.

Labcorp Genetics (formerly Invitae), Labcorp
Classification: Likely benign for Long QT syndrome. Last evaluated: 2024-11-13. Review status: criteria provided, single submitter. Criteria: Invitae Variant Classification Sherloc (09022015). Collection method: clinical testing. Allele origin: germline.